The following is an entry in ClinVar:

NM_001042472.3(ABHD12):c.337_338delinsTTT (p.Asp113fs)

Gene: ABHD12 (abhydrolase domain containing 12, lysophospholipase; minus strand). Cytogenetic location: 20p11.21.
Variant type: Indel.
Coding change: c.337_338delinsTTT on transcript NM_001042472.3 (MANE Select); coding-DNA positions 337 to 338, GA replaced by TTT.
Protein change: p.Asp113fs; shifts the reading frame from aspartic acid 113.
Molecular consequence: frameshift variant.
Genome position (GRCh38, 1-based): chr20:25,323,409-25,323,410, TC replaced by AAA on the plus strand (GA replaced by TTT on the coding strand, the reverse complement: ABHD12 is on the minus strand). VCF-style: chr20-25323409-TC-AAA. GRCh37 (hg19) VCF-style: chr20-25304045-TC-AAA.
Other names: c.337_338delGAinsTTT (NM_001042472.2); c.337_338delinsTTT, p.Asp113fs (NM_015600.5); short protein forms D113fs.
Identifiers: ClinVar variation 24 (VCV000000024.6), dbSNP rs1555813914, ClinGen allele CA113808.

ClinVar aggregate classification (germline): Pathogenic. Review status: criteria provided, multiple submitters, no conflicts (2 of 4 stars). 3 submissions from 3 submitters: Pathogenic (2). 1 of the submissions does not count toward it. Last evaluated 2026-10-03.

Conditions:
PHARC syndrome. Also called: Polyneuropathy-hearing loss-ataxia-retinitis pigmentosa-cataract syndrome. Identifiers: Orphanet 171848, MedGen C2675204, MONDO:0012984, OMIM 612674.
ABHD12-related disorder. Also called: ABHD12-related condition.

Submissions (3):

GeneDx
Classification: Pathogenic. Last evaluated: 2026-10-03. Review status: criteria provided, single submitter. Criteria: GeneDx Variant Classification Process June 2021. Collection method: clinical testing. Allele origin: germline.
Comment: Frameshift variant predicted to result in protein truncation or nonsense mediated decay in a gene for which loss of function is a known mechanism of disease; Not observed at significant frequency in large population cohorts (gnomAD); This variant is associated with the following publications: (PMID: 31429209, 20797687, 34573385)

Blueprint Genetics
Classification: Pathogenic for ABHD12-related disorders. Last evaluated: 2024-09-21. Review status: criteria provided, single submitter. Criteria: ACMG Guidelines, 2015. Collection method: clinical testing. Allele origin: germline. Affected: yes. Observed: 4 variant alleles.

OMIM
Classification: Pathogenic for POLYNEUROPATHY, HEARING LOSS, ATAXIA, RETINITIS PIGMENTOSA, AND CATARACT. Last evaluated: 2010-09-10. Review status: no assertion criteria provided. Collection method: literature only. Allele origin: germline. Not counted in ClinVar's aggregate classification.

Literature cited by the submitters: PubMed 20797687 (cited by OMIM).